The following is an entry in ClinVar:

NM_020693.4(DSCAML1):c.1124C>T (p.Ser375Leu)

Gene: DSCAML1 (DS cell adhesion molecule like 1; minus strand). Cytogenetic location: 11q23.3.
Variant type: single nucleotide variant.
Coding change: c.1124C>T on transcript NM_020693.4 (MANE Select); coding-DNA position 1124, C replaced by T.
Protein change: p.Ser375Leu; replaces serine 375 with leucine.
Molecular consequence: missense variant.
Genome position (GRCh38, 1-based): chr11:117,521,219, G>A on the plus strand (C>T on the coding strand, the complement: DSCAML1 is on the minus strand). VCF-style: chr11-117521219-G-A. GRCh37 (hg19) VCF-style: chr11-117391934-G-A.
Other names: c.1124C>T, p.Ser375Leu (NM_001367904.1); c.716C>T, p.Ser239Leu (NM_001367905.1); short protein forms S375L, S239L.
Identifiers: ClinVar variation 3649771 (VCV003649771.2).
Genomic context (GRCh38, chr11:117,521,219, plus strand): 5'-GCGGTCTGGGCCTTGCGGGTAGCGAAGCACTGGTAGGCCCCGGAATGGCTCTTCTGGGCC[G>A]AGGTGATGAGCAGCGTCTCGTTGCTGAGCCCGCGGATGGAGATGGCCTCGTCAGGCAGCA-3'
Protein context (NP_065744.3, residues 365-385): GLSNETLLIT[Ser375Leu]AQKSHSGAYQ

ClinVar aggregate classification (germline): Uncertain significance (1 of 4 stars; one submission).

gnomAD v4.1: 8 of 1,614,186 alleles (0.0005%); highest among the groups gnomAD compares: East Asian, 0.0022%; no homozygotes.

Submission:

Labcorp Genetics (formerly Invitae), Labcorp
Classification: Uncertain significance. Last evaluated: 2024-02-09. Review status: criteria provided, single submitter. Criteria: Invitae Variant Classification Sherloc (09022015). Collection method: clinical testing. Allele origin: germline.
Comment: This sequence change replaces serine, which is neutral and polar, with leucine, which is neutral and non-polar, at codon 435 of the DSCAML1 protein (p.Ser435Leu). This variant is present in population databases (rs750969001, gnomAD 0.003%). This variant has not been reported in the literature in individuals affected with DSCAML1-related conditions. An algorithm developed to predict the effect of missense changes on protein structure and function (PolyPhen-2) suggests that this variant is likely to be tolerated. In summary, the available evidence is currently insufficient to determine the role of this variant in disease. Therefore, it has been classified as a Variant of Uncertain Significance.